The following is an entry in ClinVar:

ClinVar aggregate classification (germline): Uncertain significance. Review status: criteria provided, multiple submitters, no conflicts (2 of 4 stars). 3 submissions from 3 submitters: Uncertain significance (3). Last evaluated 2023-12-18.

Conditions:
Inborn genetic diseases. Identifiers: MedGen C0950123, MeSH D030342.
ADAMTSL4-related disorder. Also called: ADAMTSL4-Related Disorders; ADAMTSL4-related condition.

Allele frequency attached by ClinVar (database versions not stated): gnomAD 0.00001; TOPMed 0.00001; ExAC 0.00002.
gnomAD v4.1: 13 of 1,614,020 alleles (0.00081%); highest among the groups gnomAD compares: East Asian, 0.0045%; no homozygotes.

Submissions (3):

Ambry Genetics
Classification: Uncertain significance for Inborn genetic diseases. Last evaluated: 2023-12-18. Review status: criteria provided, single submitter. Criteria: Ambry Variant Classification Scheme 2023. Collection method: clinical testing. Allele origin: germline.

PreventionGenetics, part of Exact Sciences
Classification: Uncertain significance for ADAMTSL4-related condition. Last evaluated: 2023-02-15. Review status: criteria provided, single submitter. Criteria: ACMG Guidelines, 2015. Collection method: clinical testing. Allele origin: germline.
Comment: The ADAMTSL4 c.1295G>A variant is predicted to result in the amino acid substitution p.Arg432His. To our knowledge, this variant has not been reported in the literature. This variant is reported in 0.0054% of alleles in individuals of East Asian descent in gnomAD. At this time, the clinical significance of this variant is uncertain due to the absence of conclusive functional and genetic evidence.

Labcorp Genetics (formerly Invitae), Labcorp
Classification: Uncertain significance. Last evaluated: 2022-04-20. Review status: criteria provided, single submitter. Criteria: Invitae Variant Classification Sherloc (09022015). Collection method: clinical testing. Allele origin: germline.
Comment: This sequence change replaces arginine, which is basic and polar, with histidine, which is basic and polar, at codon 432 of the ADAMTSL4 protein (p.Arg432His). This variant is present in population databases (rs770866492, gnomAD 0.006%). This variant has not been reported in the literature in individuals affected with ADAMTSL4-related conditions. Algorithms developed to predict the effect of missense changes on protein structure and function are either unavailable or do not agree on the potential impact of this missense change (SIFT: "Deleterious"; PolyPhen-2: "Benign"; Align-GVGD: "Class C25"). In summary, the available evidence is currently insufficient to determine the role of this variant in disease. Therefore, it has been classified as a Variant of Uncertain Significance.

NM_019032.6(ADAMTSL4):c.1295G>A (p.Arg432His)

Genes: ADAMTSL4 (ADAMTS like 4; plus strand), ADAMTSL4-AS2 (ADAMTSL4 antisense RNA 2; minus strand). Cytogenetic location: 1q21.2.
Variant type: single nucleotide variant.
Coding change: c.1295G>A on transcript NM_019032.6 (MANE Select); coding-DNA position 1295, G replaced by A.
Protein change: p.Arg432His; replaces arginine 432 with histidine.
Molecular consequence: missense variant.
Genome position (GRCh38, 1-based): chr1:150,555,489, G>A. VCF-style: chr1-150555489-G-A. GRCh37 (hg19) VCF-style: chr1-150527965-G-A.
Other names: c.1364G>A, p.Arg455His (NM_001288607.2, NM_001288608.2); c.1295G>A, p.Arg432His (NM_001378596.1, NM_025008.5); c.1295G>A (NM_019032.5, NM_019032.4); short protein forms R455H, R432H.
Identifiers: ClinVar variation 1901145 (VCV001901145.4), dbSNP rs770866492, ClinGen allele CA1078219.